The following is an entry in ClinVar:

NM_000257.4(MYH7):c.761C>A (p.Ala254Glu)

Gene: MYH7 (myosin heavy chain 7; minus strand). Cytogenetic location: 14q11.2.
Variant type: single nucleotide variant.
Coding change: c.761C>A on transcript NM_000257.4 (MANE Select); coding-DNA position 761, C replaced by A.
Protein change: p.Ala254Glu; replaces alanine 254 with glutamic acid.
Molecular consequence: missense variant.
Genome position (GRCh38, 1-based): chr14:23,431,453, G>T on the plus strand (C>A on the coding strand, the complement: MYH7 is on the minus strand). VCF-style: chr14-23431453-G-T. GRCh37 (hg19) VCF-style: chr14-23900662-G-T.
Other names: c.761C>A (LRG_384t1); short protein forms A254E.
Identifiers: ClinVar variation 237444 (VCV000237444.8), dbSNP rs878853842, ClinGen allele CA10583172.

ClinVar aggregate classification (germline): Pathogenic (1 of 4 stars; one submission).

Conditions:
Hypertrophic cardiomyopathy. Also called: HYPERTROPHIC MYOCARDIOPATHY. Identifiers: Orphanet 217569, MedGen C0007194, MeSH D002312, MONDO:0005045, HP:0001639.

Submission:

Labcorp Genetics (formerly Invitae), Labcorp
Classification: Pathogenic for Hypertrophic cardiomyopathy. Last evaluated: 2016-11-23. Review status: criteria provided, single submitter. Criteria: Invitae Variant Classification Sherloc (09022015). Collection method: clinical testing. Allele origin: germline.
Comment: This variant is found within a region of MYH7 between codons 181 and 937 that contains the majority of the myosin head domain. Missense variants in this region have been shown to be significantly overrepresented in individuals with hypertrophic cardiomyopathy (PMID: 27532257). For these reasons, this variant has been classified as Pathogenic. This variant is not present in population databases (ExAC no frequency) and has not been reported in the literature in individuals with a MYH7-related disease. This sequence change replaces alanine with glutamic acid at codon 254 of the MYH7 protein (p.Ala254Glu). The alanine residue is highly conserved and there is a moderate physicochemical difference between alanine and glutamic acid.

Literature cited by the submitters: PubMed 27532257.